The following is an entry in ClinVar:

ClinVar aggregate classification (germline): Likely pathogenic (0 of 4 stars; one submission).

Conditions:
Pyruvate dehydrogenase E1-alpha deficiency (PDHAD). Also called: ATAXIA, INTERMITTENT, WITH PYRUVATE DEHYDROGENASE DEFICIENCY; ATAXIA WITH LACTIC ACIDOSIS I; ATAXIA, INTERMITTENT, WITH ABNORMAL PYRUVATE METABOLISM; Ataxia, intermittent, with pyruvate dehydrogenase, or decarboxylase, deficiency. Identifiers: Orphanet 79243, MedGen C1839413, MONDO:0010717, OMIM 312170.

Submission:

PDHA1 Study Group, University Children’s Hospital, Paracelsus Medical University
Classification: Likely pathogenic for Pyruvate dehydrogenase E1-alpha deficiency. Last evaluated: 2024-10-15. Review status: no assertion criteria provided. Collection method: research. Allele origin: germline. Affected: yes. Observed: 1 variant allele.
Comment: The NM_000284.3:c.1040_1063dup (p.Glu347_Thr354dup) change is a deletion-insertion (delins) variant in PDHA1 gene. Last literature search: July 12, 2024. This variant is absent or extremely rare in population-based cohorts in the Genome Aggregation Database (gnomAD). Individuals harboring this variant presented with clinical features compatible with PDHA1-related PDHc deficiency. In summary, this variant meets criteria to be classified as likely pathogenic (LP) for PDHA1-related PDHc deficiency based on the ACMG/AMP criteria applied: PM1, PM2, PM4, PM7 (last assessment October 15, 2024).

Literature cited by the submitters: DOI 10.1093/brain/awaf430.

NM_000284.4(PDHA1):c.1040_1063dup (p.Thr354_Ala355insGluAspAlaAlaGlnPheAlaThr)

Gene: PDHA1 (pyruvate dehydrogenase E1 subunit alpha 1; plus strand). Cytogenetic location: Xp22.12.
Variant type: Duplication.
Coding change: c.1040_1063dup on transcript NM_000284.4 (MANE Select); coding-DNA positions 1040 to 1063, 24 bases duplicated (AGGATGCTGCCCAGTTTGCCACGG).
Protein change: p.Thr354_Ala355insGluAspAlaAlaGlnPheAlaThr.
Molecular consequence: inframe insertion.
Genome position (GRCh38, 1-based): chrX:19,359,520-19,359,543, AGGATGCTGCCCAGTTTGCCACGG duplicated; duplicating any 24 consecutive bases within chrX:19,359,519-19,359,543 gives the same sequence; the c. name uses the placement nearest the transcript's 3' end. VCF-style (leftmost placement, unchanged base first): chrX-19359518-T-TGAGGATGCTGCCCAGTTTGCCACG. GRCh37 (hg19) VCF-style: chrX-19377636-T-TGAGGATGCTGCCCAGTTTGCCACG.
Other names: c.1154_1177dup, p.Thr392_Ala393insGluAspAlaAlaGlnPheAlaThr (NM_001173454.2); c.1061_1084dup, p.Thr361_Ala362insGluAspAlaAlaGlnPheAlaThr (NM_001173455.2); c.947_970dup, p.Thr323_Ala324insGluAspAlaAlaGlnPheAlaThr (NM_001173456.2).
Identifiers: ClinVar variation 4070430 (VCV004070430.1).